The following is an entry in ClinVar:

ClinVar aggregate classification (germline): Pathogenic (1 of 4 stars; one submission).

Conditions:
Hereditary cancer-predisposing syndrome. Also called: Tumor predisposition; Neoplastic Syndromes, Hereditary; Hereditary Cancer Syndrome; Hereditary neoplastic syndrome. Identifiers: Orphanet 140162, MedGen C0027672, MeSH D009386, MONDO:0015356.

Submission:

Ambry Genetics
Classification: Pathogenic for Hereditary cancer-predisposing syndrome. Last evaluated: 2022-06-13. Review status: criteria provided, single submitter. Criteria: Ambry Variant Classification Scheme 2023. Collection method: clinical testing. Allele origin: germline.
Comment: The p.Y1038* pathogenic mutation (also known as c.3114T>G), located in coding exon 4 of the MSH6 gene, results from a T to G substitution at nucleotide position 3114. This changes the amino acid from a tyrosine to a stop codon within coding exon 4. This variant is considered to be rare based on population cohorts in the Genome Aggregation Database (gnomAD). This alteration is expected to result in loss of function by premature protein truncation or nonsense-mediated mRNA decay. As such, this alteration is interpreted as a disease-causing mutation.

NM_000179.3(MSH6):c.3114T>G (p.Tyr1038Ter)

Gene: MSH6 (mutS homolog 6; plus strand). Cytogenetic location: 2p16.3.
Variant type: single nucleotide variant.
Coding change: c.3114T>G on transcript NM_000179.3 (MANE Select); coding-DNA position 3114, T replaced by G.
Protein change: p.Tyr1038Ter; replaces tyrosine 1038 with a stop codon.
Molecular consequence: nonsense.
Genome position (GRCh38, 1-based): chr2:47,801,097, T>G. VCF-style: chr2-47801097-T-G. GRCh37 (hg19) VCF-style: chr2-48028236-T-G.
Other names: c.2724T>G, p.Tyr908Ter (NM_001281492.2); c.2208T>G, p.Tyr736Ter (NM_001281493.2, NM_001281494.2, NM_001406811.1 and 6 more transcripts); c.3210T>G, p.Tyr1070Ter (NM_001406795.1, NM_001406802.1); c.3114T>G, p.Tyr1038Ter (NM_001406796.1, NM_001406798.1, NM_001406800.1 and 2 more transcripts); c.2817T>G, p.Tyr939Ter (NM_001406797.1, NM_001406801.1, NM_001406805.1 and 10 more transcripts); c.2589T>G, p.Tyr863Ter (NM_001406799.1, NM_001406806.1, NM_001406807.1); c.3036T>G, p.Tyr1012Ter (NM_001406804.1); c.3120T>G, p.Tyr1040Ter (NM_001406813.1); and 2 more; short protein forms Y908*, Y1012*, Y1038*, Y1070*, Y863*, Y1040*, Y353*, Y736*.
Identifiers: ClinVar variation 1727792 (VCV001727792.2), dbSNP rs2104440982, ClinGen allele CA346756620.